The following is an entry in ClinVar:

ClinVar aggregate classification (germline): Uncertain significance (1 of 4 stars; one submission).

Conditions:
Pitt-Hopkins-like syndrome 2 (PTHSL2). Identifiers: Orphanet 221150, Orphanet 600663, MedGen C3280479, MONDO:0013690, OMIM 614325.

Allele frequency attached by ClinVar (database versions not stated): gnomAD 0.00001; TOPMed 0.00001; gnomAD exomes 0.00003; ExAC 0.00005; ESP Exome Variant Server 0.00008.
gnomAD v4.1: 12 of 1,480,174 alleles (0.00081%); highest among the groups gnomAD compares: Non-Finnish European, 0.00099%; no homozygotes.

Submission:

Labcorp Genetics (formerly Invitae), Labcorp
Classification: Uncertain significance for Pitt-Hopkins-like syndrome 2. Last evaluated: 2023-12-06. Review status: criteria provided, single submitter. Criteria: Invitae Variant Classification Sherloc (09022015). Collection method: clinical testing. Allele origin: germline.
Comment: This sequence change replaces threonine, which is neutral and polar, with isoleucine, which is neutral and non-polar, at codon 628 of the NRXN1 protein (p.Thr628Ile). This variant is present in population databases (rs375417866, gnomAD 0.006%). This variant has not been reported in the literature in individuals affected with NRXN1-related conditions. ClinVar contains an entry for this variant (Variation ID: 1378754). An algorithm developed to predict the effect of missense changes on protein structure and function (PolyPhen-2) suggests that this variant is likely to be disruptive. In summary, the available evidence is currently insufficient to determine the role of this variant in disease. Therefore, it has been classified as a Variant of Uncertain Significance.

NM_001330078.2(NRXN1):c.1763C>T (p.Thr588Ile)

Gene: NRXN1 (neurexin 1; minus strand). Cytogenetic location: 2p16.3.
Variant type: single nucleotide variant.
Coding change: c.1763C>T on transcript NM_001330078.2 (MANE Select); coding-DNA position 1763, C replaced by T.
Protein change: p.Thr588Ile; replaces threonine 588 with isoleucine.
Molecular consequence: missense variant.
Genome position (GRCh38, 1-based): chr2:50,538,633, G>A on the plus strand (C>T on the coding strand, the complement: NRXN1 is on the minus strand). VCF-style: chr2-50538633-G-A. GRCh37 (hg19) VCF-style: chr2-50765771-G-A.
Other names: c.1883C>T, p.Thr628Ile (NM_001135659.3); c.1739C>T, p.Thr580Ile (NM_001330077.2, NM_001330082.2, NM_001330095.2); c.1724C>T, p.Thr575Ile (NM_001330083.2, NM_001330084.2); c.1763C>T, p.Thr588Ile (NM_001330085.2, NM_001330086.2, NM_004801.6); c.1679C>T, p.Thr560Ile (NM_001330087.2, NM_001330096.2); c.1709C>T, p.Thr570Ile (NM_001330088.2); c.1760C>T, p.Thr587Ile (NM_001330093.2); c.1751C>T, p.Thr584Ile (NM_001330094.2); short protein forms T575I, T580I, T584I, T570I, T560I, T587I, T588I, T628I.
Identifiers: ClinVar variation 1378754 (VCV001378754.8), dbSNP rs375417866, ClinGen allele CA1654977.